The following is an entry in ClinVar:

ClinVar aggregate classification (germline): Pathogenic (1 of 4 stars; one submission).

Allele frequency attached by ClinVar (database versions not stated): gnomAD exomes below 0.00001.
gnomAD v4.1: 1 of 1,611,152 alleles (0.000062%); highest among the groups gnomAD compares: African/African-American, 0.0013%; no homozygotes.

Submission:

Labcorp Genetics (formerly Invitae), Labcorp
Classification: Pathogenic. Last evaluated: 2023-06-24. Review status: criteria provided, single submitter. Criteria: Invitae Variant Classification Sherloc (09022015). Collection method: clinical testing. Allele origin: germline.
Comment: For these reasons, this variant has been classified as Pathogenic. This variant has not been reported in the literature in individuals affected with SEPSECS-related conditions. This variant is not present in population databases (gnomAD no frequency). This sequence change creates a premature translational stop signal (p.Trp46*) in the SEPSECS gene. It is expected to result in an absent or disrupted protein product. Loss-of-function variants in SEPSECS are known to be pathogenic (PMID: 25558065, 25590979, 26115735).

Literature cited by the submitters: PubMed 25558065; PubMed 25590979; PubMed 26115735.

NM_016955.4(SEPSECS):c.137G>A (p.Trp46Ter)

Gene: SEPSECS (Sep (O-phosphoserine) tRNA:Sec (selenocysteine) tRNA synthase; minus strand). Cytogenetic location: 4p15.2.
Variant type: single nucleotide variant.
Coding change: c.137G>A on transcript NM_016955.4 (MANE Select); coding-DNA position 137, G replaced by A.
Protein change: p.Trp46Ter; replaces tryptophan 46 with a stop codon.
Molecular consequence: nonsense.
Genome position (GRCh38, 1-based): chr4:25,159,085, C>T on the plus strand (G>A on the coding strand, the complement: SEPSECS is on the minus strand). VCF-style: chr4-25159085-C-T. GRCh37 (hg19) VCF-style: chr4-25160707-C-T.
Other names: c.392G>A, p.Trp131Ter (NM_001410714.1); c.137G>A, p.Trp46Ter (NM_153825.2); short protein forms W46*, W131*.
Identifiers: ClinVar variation 2726893 (VCV002726893.3), dbSNP rs2474687748, ClinGen allele CA356543524.
Genomic context (GRCh38, chr4:25,159,085, plus strand): 5'-AAATTGTTGCTGTCCATGATTGCAAGTTCATGTAAAAAGAGTTCAAGTGTACTTTCATCC[C>T]AGCCATTCTCTGGACACTTGCCCTTAAAAAAAAAAAAAAACTTATGATTATATTTAATAA-3'